The following is an entry in ClinVar:

NM_206943.4(LTBP1):c.5120C>T (p.Pro1707Leu)

Gene: LTBP1 (latent transforming growth factor beta binding protein 1; plus strand). Cytogenetic location: 2p22.3.
Variant type: single nucleotide variant.
Coding change: c.5120C>T on transcript NM_206943.4 (MANE Select); coding-DNA position 5120, C replaced by T.
Protein change: p.Pro1707Leu; replaces proline 1707 with leucine.
Molecular consequence: missense variant.
Genome position (GRCh38, 1-based): chr2:33,398,499, C>T. VCF-style: chr2-33398499-C-T. GRCh37 (hg19) VCF-style: chr2-33623566-C-T.
Other names: c.4016C>T, p.Pro1339Leu (NM_001394909.1, NM_001166264.2); c.4013C>T, p.Pro1338Leu (NM_001394910.1, NM_001394911.1); c.3998C>T, p.Pro1333Leu (NM_001394912.1); c.3980C>T, p.Pro1327Leu (NM_001394913.1); c.3932C>T, p.Pro1311Leu (NM_001394914.1, NM_001394915.1); c.3899C>T, p.Pro1300Leu (NM_001394916.1); c.3890C>T, p.Pro1297Leu (NM_001394917.1); c.3872C>T, p.Pro1291Leu (NM_001394918.1); and 13 more; short protein forms P1196L, P1238L, P1244L, P1246L, P1285L, P1286L, P1290L, P1291L.
Identifiers: ClinVar variation 4821123 (VCV004821123.4).

ClinVar aggregate classification (germline): Likely benign (1 of 4 stars; one submission).

gnomAD v4.1: 430 of 1,614,144 alleles (0.027%); highest among the groups gnomAD compares: African/African-American, 0.48%; 1 homozygote.

Submission:

CeGaT Center for Human Genetics Tuebingen
Classification: Likely benign. Last evaluated: 2026-03-01. Review status: criteria provided, single submitter. Criteria: CeGaT Center For Human Genetics Tuebingen Variant Classification Criteria Version 2. Collection method: clinical testing. Allele origin: germline. Affected: yes. Observed: 1 variant allele.
Comment: LTBP1: BS1